The following is an entry in ClinVar:

NM_018896.5(CACNA1G):c.5518T>C (p.Phe1840Leu)

Gene: CACNA1G (calcium voltage-gated channel subunit alpha1 G; plus strand). Cytogenetic location: 17q21.33.
Variant type: single nucleotide variant.
Coding change: c.5518T>C on transcript NM_018896.5 (MANE Select); coding-DNA position 5518, T replaced by C.
Protein change: p.Phe1840Leu; replaces phenylalanine 1840 with leucine.
Molecular consequence: missense variant. On other transcripts: non-coding transcript variant (5).
Genome position (GRCh38, 1-based): chr17:50,618,745, T>C. VCF-style: chr17-50618745-T-C. GRCh37 (hg19) VCF-style: chr17-48696106-T-C.
Other names: c.5464T>C, p.Phe1822Leu (NM_001256324.2, NM_198386.3); c.5539T>C, p.Phe1847Leu (NM_001256325.2); c.5383T>C, p.Phe1795Leu (NM_001256326.2, NM_001256330.2); c.5497T>C, p.Phe1833Leu (NM_001256327.2); c.5443T>C, p.Phe1815Leu (NM_001256328.2); c.5416T>C, p.Phe1806Leu (NM_001256329.2, NM_198376.3, NM_198379.3 and 2 more transcripts); c.5362T>C, p.Phe1788Leu (NM_001256331.2); c.5347T>C, p.Phe1783Leu (NM_001256332.2); and 7 more; short protein forms F1783L, F1788L, F1795L, F1799L, F1802L, F1804L, F1806L, F1813L.
Identifiers: ClinVar variation 1306901 (VCV001306901.2), dbSNP rs2146292181, ClinGen allele CA400265621.

ClinVar aggregate classification (germline): Uncertain significance (1 of 4 stars; one submission).

Submission:

GeneDx
Classification: Uncertain significance. Last evaluated: 2020-08-03. Review status: criteria provided, single submitter. Criteria: GeneDx Variant Classification Process June 2021. Collection method: clinical testing. Allele origin: germline. Affected: yes.
Comment: Not observed in large population cohorts (Lek et al., 2016); In silico analysis supports that this missense variant has a deleterious effect on protein structure/function; Has not been previously published as pathogenic or benign to our knowledge